The following is an entry in ClinVar:

ClinVar aggregate classification (germline): Pathogenic/Likely pathogenic. Review status: criteria provided, multiple submitters, no conflicts (2 of 4 stars). 3 submissions from 3 submitters: Pathogenic (1); Likely pathogenic (2). Last evaluated 2024-01-16.

Conditions:
Hereditary cancer-predisposing syndrome. Also called: Tumor predisposition; Neoplastic Syndromes, Hereditary; Hereditary Cancer Syndrome; Hereditary neoplastic syndrome. Identifiers: Orphanet 140162, MedGen C0027672, MeSH D009386, MONDO:0015356.
Familial cancer of breast. Also called: BREAST CANCER, FAMILIAL; hereditary breast carcinoma; Hereditary breast cancer. Identifiers: Orphanet 227535, MedGen C0346153, MONDO:0016419, OMIM 114480. Disease mechanism: loss of function.
Ataxia-telangiectasia syndrome (AT). Also called: Ataxia-telangiectasia; Ataxia-telangiectasia, complementation group D; AT, COMPLEMENTATION GROUP C; LOUIS-BAR SYNDROME; Cerebello-oculocutaneous telangiectasia; Immunodeficiency with ataxia telangiectasia. Identifiers: Orphanet 100, MedGen C0004135, MONDO:0008840, OMIM 208900.

Submissions (3):

Myriad Genetics, Inc.
Classification: Likely pathogenic for Familial cancer of breast. Last evaluated: 2024-01-16. Review status: criteria provided, single submitter. Criteria: Myriad Autosomal Dominant, Autosomal Recessive and X-Linked Classification Criteria (2023). Collection method: clinical testing. Allele origin: unknown.
Comment: This variant is considered likely pathogenic. This variant occurs within a consensus splice junction and is predicted to result in abnormal mRNA splicing of either an out-of-frame exon or an in-frame exon necessary for protein stability and/or normal function.

Color Diagnostics, LLC DBA Color Health
Classification: Likely pathogenic for Hereditary cancer-predisposing syndrome. Last evaluated: 2022-09-12. Review status: criteria provided, single submitter. Criteria: ACMG Guidelines, 2015. Collection method: clinical testing. Allele origin: germline.
Comment: This variant causes a G to A nucleotide substitution at the -1 position of intron 12 of the ATM gene. Splice site prediction tools predict that this variant may have a significant impact on RNA splicing. Although this prediction has not been confirmed in published RNA studies, this variant is expected to result in an absent or disrupted protein product. To our knowledge, functional studies have not been reported for this variant. This variant has been reported in one individual diagnosed with developmental disorder (PMID: 32005694). This variant has not been identified in the general population by the Genome Aggregation Database (gnomAD). Loss of ATM function is a known mechanism of disease. Based on the available evidence, this variant is classified as Likely Pathogenic.

Labcorp Genetics (formerly Invitae), Labcorp
Classification: Pathogenic for Ataxia-telangiectasia syndrome. Last evaluated: 2022-02-10. Review status: criteria provided, single submitter. Criteria: Invitae Variant Classification Sherloc (09022015). Collection method: clinical testing. Allele origin: germline.
Comment: ClinVar contains an entry for this variant (Variation ID: 490446). Disruption of this splice site has been observed in individual(s) with ataxia-telangiectasia (PMID: 11298136). In at least one individual the data is consistent with being in trans (on the opposite chromosome) from a pathogenic variant. This variant is not present in population databases (gnomAD no frequency). This sequence change affects an acceptor splice site in intron 12 of the ATM gene. RNA analysis indicates that disruption of this splice site induces altered splicing and may result in an absent or disrupted protein product. Studies have shown that disruption of this splice site results in activation of cryptic splice site and introduces a premature termination codon (PMID: 11298136). The resulting mRNA is expected to undergo nonsense-mediated decay. For these reasons, this variant has been classified as Pathogenic.

Literature cited by the submitters: PubMed 32005694 (cited by Color Diagnostics, LLC DBA Color Health); PubMed 11298136 (cited by Labcorp Genetics (formerly Invitae), Labcorp).

NM_000051.4(ATM):c.1899-1G>A

Gene: ATM (ATM serine/threonine kinase; plus strand). Cytogenetic location: 11q22.3.
Variant type: single nucleotide variant.
Coding change: c.1899-1G>A on transcript NM_000051.4 (MANE Select); the canonical splice acceptor site of the intron before coding-DNA position 1899, G replaced by A.
Molecular consequence: splice acceptor variant.
Genome position (GRCh38, 1-based): chr11:108,253,813, G>A. VCF-style: chr11-108253813-G-A. GRCh37 (hg19) VCF-style: chr11-108124540-G-A.
Other names: c.1899-1G>A (NM_001351834.2).
Identifiers: ClinVar variation 490446 (VCV000490446.13), dbSNP rs1555073065, ClinGen allele CA382536246.
Genomic context (GRCh38, chr11:108,253,813, plus strand): 5'-TACATATAAGGCAAAGCATTAGGTACTTGGTTTATATATTAAAGATCTTACTTTCTTGAA[G>A]TGAACACCACCAAAAAGATAAAGAAGAACTTTCATTCTCAGAAGTAGAAGAACTATTTCT-3'